The following is an entry in ClinVar:

ClinVar aggregate classification (germline): Uncertain significance. Review status: criteria provided, multiple submitters, no conflicts (2 of 4 stars). 2 submissions from 2 submitters: Uncertain significance (2). Last evaluated 2025-07-21.

Conditions:
Inborn genetic diseases. Identifiers: MedGen C0950123, MeSH D030342.

Allele frequency attached by ClinVar (database versions not stated): gnomAD 0.00001; gnomAD exomes 0.00001; TOPMed 0.00001; ExAC 0.00003.
gnomAD v4.1: 10 of 1,613,704 alleles (0.00062%); highest among the groups gnomAD compares: Admixed American, 0.012%; no homozygotes.

Submissions (2):

Labcorp Genetics (formerly Invitae), Labcorp
Classification: Uncertain significance. Last evaluated: 2025-07-21. Review status: criteria provided, single submitter. Criteria: Invitae Variant Classification Sherloc (09022015). Collection method: clinical testing. Allele origin: germline.
Comment: This sequence change replaces aspartic acid, which is acidic and polar, with glycine, which is neutral and non-polar, at codon 317 of the EFL1 protein (p.Asp317Gly). This variant is present in population databases (rs779668775, gnomAD 0.01%). This variant has not been reported in the literature in individuals affected with EFL1-related conditions. ClinVar contains an entry for this variant (Variation ID: 2239886). Invitae Evidence Modeling of protein sequence and biophysical properties (such as structural, functional, and spatial information, amino acid conservation, physicochemical variation, residue mobility, and thermodynamic stability) indicates that this missense variant is not expected to disrupt EFL1 protein function with a negative predictive value of 80%. In summary, the available evidence is currently insufficient to determine the role of this variant in disease. Therefore, it has been classified as a Variant of Uncertain Significance.

Ambry Genetics
Classification: Uncertain significance for Inborn genetic diseases. Last evaluated: 2021-08-02. Review status: criteria provided, single submitter. Criteria: Ambry Variant Classification Scheme 2023. Collection method: clinical testing. Allele origin: germline.

NM_024580.6(EFL1):c.950A>G (p.Asp317Gly)

Gene: EFL1 (elongation factor like GTPase 1; minus strand). Cytogenetic location: 15q25.2.
Variant type: single nucleotide variant.
Coding change: c.950A>G on transcript NM_024580.6 (MANE Select); coding-DNA position 950, A replaced by G.
Protein change: p.Asp317Gly; replaces aspartic acid 317 with glycine.
Molecular consequence: missense variant. On other transcripts: non-coding transcript variant (1).
Genome position (GRCh38, 1-based): chr15:82,228,310, T>C on the plus strand (A>G on the coding strand, the complement: EFL1 is on the minus strand). VCF-style: chr15-82228310-T-C. GRCh37 (hg19) VCF-style: chr15-82520651-T-C.
Other names: c.797A>G, p.Asp266Gly (NM_001040610.3); c.161A>G, p.Asp54Gly (NM_001322844.2); c.950A>G, p.Asp317Gly (NM_001322845.2); short protein forms D266G, D317G, D54G.
Identifiers: ClinVar variation 2239886 (VCV002239886.5), dbSNP rs779668775, ClinGen allele CA7698130.